The following is an entry in ClinVar:

ClinVar aggregate classification (germline): Uncertain significance (1 of 4 stars; one submission).

Submission:

GeneDx
Classification: Uncertain significance. Last evaluated: 2025-05-28. Review status: criteria provided, single submitter. Criteria: GeneDx Variant Classification Process June 2021. Collection method: clinical testing. Allele origin: germline. Affected: yes.
Comment: In-frame duplication of one amino acid in a non-repeat region; Not observed at significant frequency in large population cohorts (gnomAD); Has not been previously published as pathogenic or benign to our knowledge

NM_001009944.3(PKD1):c.4550ACA[3] (p.Asn1518_Ser1519insAsn)

Gene: PKD1 (polycystin 1, transient receptor potential channel interacting; minus strand). Cytogenetic location: 16p13.3.
Variant type: Microsatellite.
Coding change: c.4550ACA[3] on transcript NM_001009944.3 (MANE Select); three copies in a row of the 3-base unit ACA starting at c.4550; the reference has two copies in a row; one copy, 3 bases duplicated; also written c.4553_4555dup.
Protein change: p.Asn1518_Ser1519insAsn.
Molecular consequence: inframe insertion. On other transcripts: inframe indel (2).
Genome position (GRCh38, 1-based): chr16:2,110,612-2,110,614, TGT duplicated on the plus strand (ACA on the coding strand, the reverse complement: PKD1 is on the minus strand); duplicating any 3 consecutive bases within chr16:2,110,612-2,110,617 gives the same sequence; the position shown is the placement nearest the transcript's 3' end. VCF-style (leftmost placement, unchanged base first): chr16-2110611-C-CTGT. GRCh37 (hg19) VCF-style: chr16-2160612-C-CTGT.
Other names: c.4550_4552ACA[3], p.Asn1518_Ser1519insAsn (NM_001009944.2); c.4550ACA[3], p.Asn1518_Ser1519insAsn (NM_000296.4); c.4553_4555dup (NM_001009944.2).
Identifiers: ClinVar variation 4532444 (VCV004532444.1).